The following is an entry in ClinVar:

ClinVar aggregate classification (germline): Conflicting classifications of pathogenicity. Review status: criteria provided, conflicting classifications (1 of 4 stars). 2 submissions from 2 submitters: Uncertain significance (1); Likely benign (1). Last evaluated 2018-01-12.

Conditions:
Lissencephaly 4 (LIS4). Also called: Lissencephaly 4 (with microcephaly). Identifiers: Orphanet 1083, MedGen C3151461, MONDO:0013527, OMIM 614019.

Allele frequency attached by ClinVar (database versions not stated): TOPMed 0.00003.

Submissions (2):

Illumina Laboratory Services, Illumina
Classification: Uncertain significance for Lissencephaly 4. Last evaluated: 2018-01-12. Review status: criteria provided, single submitter. Criteria: ICSL Variant Classification Criteria 13 December 2019. Collection method: clinical testing. Allele origin: germline.

GeneDx
Classification: Likely benign. Last evaluated: 2015-11-19. Review status: criteria provided, single submitter. Criteria: GeneDx Variant Classification (06012015). Collection method: clinical testing. Allele origin: germline. Affected: yes.
Comment: This variant is considered likely benign or benign based on one or more of the following criteria: it is a conservative change, it occurs at a poorly conserved position in the protein, it is predicted to be benign by multiple in silico algorithms, and/or has population frequency not consistent with disease.

NM_017668.3(NDE1):c.700C>T (p.Arg234Cys)

Gene: NDE1 (nudE neurodevelopment protein 1; plus strand). Cytogenetic location: 16p13.11.
Variant type: single nucleotide variant.
Coding change: c.700C>T on transcript NM_017668.3 (MANE Select); coding-DNA position 700, C replaced by T.
Protein change: p.Arg234Cys; replaces arginine 234 with cysteine.
Molecular consequence: missense variant.
Genome position (GRCh38, 1-based): chr16:15,691,320, C>T. VCF-style: chr16-15691320-C-T. GRCh37 (hg19) VCF-style: chr16-15785177-C-T.
Other names: c.700C>T, p.Arg234Cys (NM_001143979.2); short protein forms R234C.
Identifiers: ClinVar variation 318063 (VCV000318063.5), dbSNP rs201783071, ClinGen allele CA7920750.